The following is an entry in ClinVar:

ClinVar aggregate classification (germline): Conflicting classifications of pathogenicity. Review status: criteria provided, conflicting classifications (1 of 4 stars). 3 submissions from 3 submitters: Uncertain significance (2); Likely benign (1). Last evaluated 2025-07-30.

Conditions:
CACNA2D4-related disorder. Also called: CACNA2D4-related condition.

Allele frequency attached by ClinVar (database versions not stated): gnomAD 0.00003; TOPMed 0.00006; ExAC 0.00009; gnomAD exomes 0.00012.
gnomAD v4.1: 65 of 1,613,498 alleles (0.004%); highest among the groups gnomAD compares: East Asian, 0.078%; no homozygotes.

Submissions (3):

Labcorp Genetics (formerly Invitae), Labcorp
Classification: Uncertain significance. Last evaluated: 2025-07-30. Review status: criteria provided, single submitter. Criteria: Invitae Variant Classification Sherloc (09022015). Collection method: clinical testing. Allele origin: germline.
Comment: This sequence change replaces glycine, which is neutral and non-polar, with serine, which is neutral and polar, at codon 670 of the CACNA2D4 protein (p.Gly670Ser). This variant is present in population databases (rs769147960, gnomAD 0.2%), and has an allele count higher than expected for a pathogenic variant. This variant has not been reported in the literature in individuals affected with CACNA2D4-related conditions. ClinVar contains an entry for this variant (Variation ID: 843520). An algorithm developed to predict the effect of missense changes on protein structure and function (PolyPhen-2) suggests that this variant is likely to be disruptive. Algorithms developed to predict the effect of sequence changes on RNA splicing suggest that this variant may disrupt the consensus splice site. In summary, the available evidence is currently insufficient to determine the role of this variant in disease. Therefore, it has been classified as a Variant of Uncertain Significance.

PreventionGenetics, part of Exact Sciences
Classification: Likely benign for CACNA2D4-related condition. Last evaluated: 2025-05-07. Review status: criteria provided, single submitter. Criteria: ACMG Guidelines, 2015. Collection method: clinical testing. Allele origin: germline.
Comment: This variant is classified as likely benign based on ACMG/AMP sequence variant interpretation guidelines (Richards et al. 2015 PMID: 25741868, with internal and published modifications).

Blueprint Genetics
Classification: Uncertain significance. Last evaluated: 2024-09-19. Review status: criteria provided, single submitter. Criteria: ACMG Guidelines, 2015. Collection method: clinical testing. Allele origin: germline.

NM_172364.5(CACNA2D4):c.2008G>A (p.Gly670Ser)

Gene: CACNA2D4 (calcium voltage-gated channel auxiliary subunit alpha2delta 4; minus strand). Cytogenetic location: 12p13.33.
Variant type: single nucleotide variant.
Coding change: c.2008G>A on transcript NM_172364.5 (MANE Select); coding-DNA position 2008, G replaced by A.
Protein change: p.Gly670Ser; replaces glycine 670 with serine.
Molecular consequence: missense variant.
Genome position (GRCh38, 1-based): chr12:1,858,577, C>T on the plus strand (G>A on the coding strand, the complement: CACNA2D4 is on the minus strand). VCF-style: chr12-1858577-C-T. GRCh37 (hg19) VCF-style: chr12-1967743-C-T.
Other names: short protein forms G670S.
Identifiers: ClinVar variation 843520 (VCV000843520.11), dbSNP rs769147960, ClinGen allele CA6386897.